The following is an entry in ClinVar:

ClinVar aggregate classification (germline): Pathogenic. Review status: criteria provided, multiple submitters, no conflicts (2 of 4 stars). 2 submissions from 2 submitters: Pathogenic (2). Last evaluated 2026-08-18.

Conditions:
Colorectal cancer, hereditary nonpolyposis, type 7. Identifiers: Orphanet 144, MedGen C1858380, MONDO:0013725, OMIM 614385.

Submissions (2):

Myriad Genetics, Inc.
Classification: Pathogenic for Colorectal cancer, hereditary nonpolyposis, type 7. Last evaluated: 2026-08-18. Review status: criteria provided, single submitter. Criteria: Myriad Autosomal Dominant, Autosomal Recessive and X-Linked Classification Criteria (2023). Collection method: clinical testing. Allele origin: unknown.
Comment: This variant is considered pathogenic. This variant creates a frameshift predicted to result in premature protein truncation.

Ambry Genetics
Classification: Pathogenic. Last evaluated: 2026-05-29. Review status: criteria provided, single submitter. Criteria: Ambry Variant Classification Scheme 2023. Collection method: clinical testing. Allele origin: germline.
Comment: The c.1852dupA pathogenic mutation, located in coding exon 1 of the MLH3 gene, results from a duplication of A at nucleotide position 1852, causing a translational frameshift with a predicted alternate stop codon (p.T618Nfs*2). This variant is considered to be rare based on population cohorts in the Genome Aggregation Database (gnomAD). This variant is expected to result in loss of function by premature protein truncation or nonsense-mediated mRNA decay. As such, this variant is interpreted as a disease-causing mutation.

NM_001040108.2(MLH3):c.1852dup (p.Thr618fs)

Gene: MLH3 (mutL homolog 3; minus strand). Cytogenetic location: 14q24.3.
Variant type: Duplication.
Coding change: c.1852dup on transcript NM_001040108.2 (MANE Select); coding-DNA position 1852, one base duplicated (A; older notation c.1852dupA).
Protein change: p.Thr618fs; shifts the reading frame from threonine 618.
Molecular consequence: frameshift variant.
Genome position (GRCh38, 1-based): chr14:75,047,804, T duplicated on the plus strand (A on the coding strand, the reverse complement: MLH3 is on the minus strand); the first of 6 consecutive T bases (chr14:75,047,804-75,047,809); duplicating any one gives the same sequence. VCF-style (leftmost placement, unchanged base first): chr14-75047803-G-GT. GRCh37 (hg19) VCF-style: chr14-75514506-G-GT.
Other names: c.1852dupA (NM_001040108.1); c.1852dup, p.Thr618fs (NM_014381.3); short protein forms T618fs.
Identifiers: ClinVar variation 1781358 (VCV001781358.5), dbSNP rs1229485183, ClinGen allele CA708541039.